The following is an entry in ClinVar:

ClinVar aggregate classification (germline): Pathogenic/Likely pathogenic. Review status: criteria provided, multiple submitters, no conflicts (2 of 4 stars). 2 submissions from 2 submitters: Pathogenic (1); Likely pathogenic (1). Last evaluated 2023-08-07.

Conditions:
EYS-related disorder. Also called: EYS-related condition.

Submissions (2):

Labcorp Genetics (formerly Invitae), Labcorp
Classification: Pathogenic. Last evaluated: 2023-08-07. Review status: criteria provided, single submitter. Criteria: Invitae Variant Classification Sherloc (09022015). Collection method: clinical testing. Allele origin: germline.
Comment: This sequence change creates a premature translational stop signal (p.Arg2946Lysfs*4) in the EYS gene. While this is not anticipated to result in nonsense mediated decay, it is expected to disrupt the last 199 amino acid(s) of the EYS protein. This variant is not present in population databases (gnomAD no frequency). This variant has not been reported in the literature in individuals affected with EYS-related conditions. This variant disrupts a region of the EYS protein in which other variant(s) (p.Tyr3135*) have been determined to be pathogenic (PMID: 18976725, 29159838, 30337596, 31074760). This suggests that this is a clinically significant region of the protein, and that variants that disrupt it are likely to be disease-causing. For these reasons, this variant has been classified as Pathogenic.

Blueprint Genetics
Classification: Likely pathogenic for EYS-related disorders. Last evaluated: 2021-07-29. Review status: criteria provided, single submitter. Criteria: ACMG Guidelines, 2015. Collection method: clinical testing. Allele origin: germline. Affected: yes. Observed: 1 variant allele.

Literature cited by the submitters: PubMed 18976725 (cited by Labcorp Genetics (formerly Invitae), Labcorp); PubMed 29159838 (cited by Labcorp Genetics (formerly Invitae), Labcorp); PubMed 30337596 (cited by Labcorp Genetics (formerly Invitae), Labcorp); PubMed 31074760 (cited by Labcorp Genetics (formerly Invitae), Labcorp).

NM_001142800.2(EYS):c.8831dup (p.Arg2946fs)

Genes: EYS (EGF-like photoreceptor maintenance factor; minus strand), PHF3 (PHD finger protein 3; plus strand). Cytogenetic location: 6q12.
Variant type: Duplication.
Coding change: c.8831dup on transcript NM_001142800.2 (MANE Select); coding-DNA position 8831, one base duplicated (T; older notation c.8831dupT).
Protein change: p.Arg2946fs; shifts the reading frame from arginine 2946.
Molecular consequence: frameshift variant. On other transcripts: 3 prime UTR variant (5).
Genome position (GRCh38, 1-based): chr6:63,721,200, A duplicated on the plus strand (T on the coding strand, the reverse complement: EYS is on the minus strand). VCF-style (leftmost placement, unchanged base first): chr6-63721199-C-CA. GRCh37 (hg19) VCF-style: chr6-64431095-C-CA.
Other names: c.*7492dup (NM_001370350.2, NM_015153.4, NM_001290259.2 and 2 more transcripts); c.8894dup, p.Arg2967fs (NM_001292009.2); short protein forms R2946fs, R2967fs.
Identifiers: ClinVar variation 2779869 (VCV002779869.4), dbSNP rs2533389387, ClinGen allele CA2739273152.
Genomic context (GRCh38, chr6:63,721,199, plus strand): 5'-GTAAGAATTACCCATAAATTTTGCAGTTGAAAATGAAGTTTTGTTTTCACAATACCTTCC[C>CA]ACCCAACCCAAAGTACACAGGCAACTGTAAGAAAATGATTGGTCAGGTATACATAAAGAT-3'